The following is an entry in ClinVar:

NM_017617.5(NOTCH1):c.5057T>G (p.Val1686Gly)

Gene: NOTCH1 (notch receptor 1; minus strand). Cytogenetic location: 9q34.3.
Variant type: single nucleotide variant.
Coding change: c.5057T>G on transcript NM_017617.5 (MANE Select); coding-DNA position 5057, T replaced by G.
Protein change: p.Val1686Gly; replaces valine 1686 with glycine.
Molecular consequence: missense variant.
Genome position (GRCh38, 1-based): chr9:136,503,292, A>C on the plus strand (T>G on the coding strand, the complement: NOTCH1 is on the minus strand). VCF-style: chr9-136503292-A-C. GRCh37 (hg19) VCF-style: chr9-139397744-A-C.
Other names: c.5057T>G (NM_017617.3); short protein forms V1686G.
Identifiers: ClinVar variation 2728098 (VCV002728098.4), dbSNP rs921318644, ClinGen allele CA201642747.

ClinVar aggregate classification (germline): Uncertain significance. Review status: criteria provided, multiple submitters, no conflicts (2 of 4 stars). 2 submissions from 2 submitters: Uncertain significance (2). Last evaluated 2025-04-27.

Conditions:
Familial thoracic aortic aneurysm and aortic dissection (TAAD). Also called: Thoracic aortic aneurysms and dissections. Identifiers: Orphanet 91387, MedGen C4707243, MONDO:0019625.
Adams-Oliver syndrome 5 (AOS5). Identifiers: Orphanet 974, MedGen C4014970, MONDO:0014459, OMIM 616028.

Allele frequency attached by ClinVar (database versions not stated): gnomAD 0.00001; TOPMed 0.00001.
gnomAD v4.1: 9 of 1,612,858 alleles (0.00056%); highest among the groups gnomAD compares: Non-Finnish European, 0.00068%; no homozygotes.

Submissions (2):

Labcorp Genetics (formerly Invitae), Labcorp
Classification: Uncertain significance for Adams-Oliver syndrome 5. Last evaluated: 2025-04-27. Review status: criteria provided, single submitter. Criteria: Invitae Variant Classification Sherloc (09022015). Collection method: clinical testing. Allele origin: germline.
Comment: This sequence change replaces valine, which is neutral and non-polar, with glycine, which is neutral and non-polar, at codon 1686 of the NOTCH1 protein (p.Val1686Gly). This variant is present in population databases (no rsID available, gnomAD 0.01%). This variant has not been reported in the literature in individuals affected with NOTCH1-related conditions. ClinVar contains an entry for this variant (Variation ID: 2728098). Invitae Evidence Modeling of protein sequence and biophysical properties (such as structural, functional, and spatial information, amino acid conservation, physicochemical variation, residue mobility, and thermodynamic stability) indicates that this missense variant is not expected to disrupt NOTCH1 protein function with a negative predictive value of 80%. In summary, the available evidence is currently insufficient to determine the role of this variant in disease. Therefore, it has been classified as a Variant of Uncertain Significance.

Ambry Genetics
Classification: Uncertain significance for Familial thoracic aortic aneurysm and aortic dissection. Last evaluated: 2023-10-10. Review status: criteria provided, single submitter. Criteria: Ambry Variant Classification Scheme 2023. Collection method: clinical testing. Allele origin: germline.
Comment: The p.V1686G variant (also known as c.5057T>G), located in coding exon 27 of the NOTCH1 gene, results from a T to G substitution at nucleotide position 5057. The valine at codon 1686 is replaced by glycine, an amino acid with dissimilar properties. This amino acid position is conserved. In addition, this alteration is predicted to be tolerated by in silico analysis. Since supporting evidence is limited at this time, the clinical significance of this alteration remains unclear.